The following is an entry in ClinVar:

NM_001903.5(CTNNA1):c.538C>G (p.Leu180Val)

Gene: CTNNA1 (catenin alpha 1; plus strand). Cytogenetic location: 5q31.2.
Variant type: single nucleotide variant.
Coding change: c.538C>G on transcript NM_001903.5 (MANE Select); coding-DNA position 538, C replaced by G.
Protein change: p.Leu180Val; replaces leucine 180 with valine.
Molecular consequence: missense variant.
Genome position (GRCh38, 1-based): chr5:138,812,252, C>G. VCF-style: chr5-138812252-C-G. GRCh37 (hg19) VCF-style: chr5-138147941-C-G.
Other names: c.538C>G, p.Leu180Val (NM_001290307.3, NM_001323982.2, NM_001323983.1 and 3 more transcripts); c.229C>G, p.Leu77Val (NM_001290309.3); c.169C>G, p.Leu57Val (NM_001290310.3); short protein forms L57V, L77V, L180V.
Identifiers: ClinVar variation 1043614 (VCV001043614.12), dbSNP rs750396607, ClinGen allele CA361125365.

ClinVar aggregate classification (germline): Uncertain significance. Review status: criteria provided, multiple submitters, no conflicts (2 of 4 stars). 2 submissions from 2 submitters: Uncertain significance (2). Last evaluated 2025-03-21.

Conditions:
Hereditary cancer-predisposing syndrome. Also called: Hereditary Cancer Syndrome; Tumor predisposition; Hereditary neoplastic syndrome; Neoplastic Syndromes, Hereditary. Identifiers: Orphanet 140162, MedGen C0027672, MeSH D009386, MONDO:0015356.

Allele frequency attached by ClinVar (database versions not stated): TOPMed below 0.00001.
gnomAD v4.1: 1 of 1,613,864 alleles (0.000062%); highest among the groups gnomAD compares: Non-Finnish European, 0.000085%; no homozygotes.

Submissions (2):

Ambry Genetics
Classification: Uncertain significance for Hereditary cancer-predisposing syndrome. Last evaluated: 2025-03-21. Review status: criteria provided, single submitter. Criteria: Ambry Variant Classification Scheme 2023. Collection method: clinical testing. Allele origin: germline.
Comment: The p.L180V variant (also known as c.538C>G), located in coding exon 4 of the CTNNA1 gene, results from a C to G substitution at nucleotide position 538. The leucine at codon 180 is replaced by valine, an amino acid with highly similar properties. This amino acid position is well conserved in available vertebrate species. In addition, this alteration is predicted to be tolerated by in silico analysis. Based on the available evidence, the clinical significance of this variant remains unclear.

Labcorp Genetics (formerly Invitae), Labcorp
Classification: Uncertain significance. Last evaluated: 2024-10-15. Review status: criteria provided, single submitter. Criteria: Invitae Variant Classification Sherloc (09022015). Collection method: clinical testing. Allele origin: germline.
Comment: This sequence change replaces leucine, which is neutral and non-polar, with valine, which is neutral and non-polar, at codon 180 of the CTNNA1 protein (p.Leu180Val). This variant is not present in population databases (gnomAD no frequency). This variant has not been reported in the literature in individuals affected with CTNNA1-related conditions. ClinVar contains an entry for this variant (Variation ID: 1043614). Invitae Evidence Modeling of protein sequence and biophysical properties (such as structural, functional, and spatial information, amino acid conservation, physicochemical variation, residue mobility, and thermodynamic stability) indicates that this missense variant is not expected to disrupt CTNNA1 protein function with a negative predictive value of 80%. In summary, the available evidence is currently insufficient to determine the role of this variant in disease. Therefore, it has been classified as a Variant of Uncertain Significance.